The following is an entry in ClinVar:

ClinVar aggregate classification (germline): Uncertain significance. Review status: criteria provided, single submitter (1 of 4 stars). 2 submissions from 1 submitter: Uncertain significance (2). Last evaluated 2022-06-27.

Conditions:
Autosomal recessive distal spinal muscular atrophy 2. Also called: NEURONOPATHY, DISTAL HEREDITARY MOTOR, JERASH TYPE; NEUROPATHY, DISTAL HEREDITARY MOTOR, JERASH TYPE; SPINAL MUSCULAR ATROPHY, JERASH TYPE; NEUROPATHY, DISTAL HEREDITARY MOTOR, AUTOSOMAL RECESSIVE 2; Hereditary motor neuropathy, Jerash type; Motor neuropathy, distal, Jerash type. Identifiers: Orphanet 139552, MedGen C1854023, MONDO:0011585, OMIM 605726.
Amyotrophic lateral sclerosis type 16. Also called: AMYOTROPHIC LATERAL SCLEROSIS 16, JUVENILE. Identifiers: Orphanet 300605, MedGen C3280587, MONDO:0013715, OMIM 614373.
Frontotemporal dementia and/or amyotrophic lateral sclerosis 6 (FTDALS6). Also called: VCP-Related Amyotrophic Lateral Sclerosis/Frontotemporal Dementia; VCP-Related Amyotrophic Lateral Sclerosis. Identifiers: Orphanet 275872, Orphanet 803, MedGen C5436279, MONDO:0013501, OMIM 613954.
Inclusion body myopathy with Paget disease of bone and frontotemporal dementia. Also called: Inclusion body myopathy with early-onset Paget disease and frontotemporal dementia. Identifiers: Orphanet 52430, MedGen C1833662, MONDO:0000507.

Submissions (2):

Labcorp Genetics (formerly Invitae), Labcorp
Classification: Uncertain significance for Autosomal recessive distal spinal muscular atrophy 2; Amyotrophic lateral sclerosis type 16. Last evaluated: 2022-06-27. Review status: criteria provided, single submitter. Criteria: Invitae Variant Classification Sherloc (09022015). Collection method: clinical testing. Allele origin: germline.
Comment: A copy number gain of the genomic region encompassing the full coding sequence of the SIGMAR1 gene has been identified. The boundaries of this event are unknown as they extend beyond the assayed region for this gene and therefore may encompass additional genes. As the precise location of this event is unknown, it may be in tandem or it may be located elsewhere in the genome. This variant has not been reported in the literature in individuals affected with SIGMAR1-related conditions. In summary, the available evidence is currently insufficient to determine the role of this variant in disease. Therefore, it has been classified as a Variant of Uncertain Significance.

Labcorp Genetics (formerly Invitae), Labcorp
Classification: Uncertain significance for Inclusion body myopathy with Paget disease of bone and frontotemporal dementia; Frontotemporal dementia and/or amyotrophic lateral sclerosis 6. Last evaluated: 2020-07-29. Review status: criteria provided, single submitter. Criteria: Invitae Variant Classification Sherloc (09022015). Collection method: clinical testing. Allele origin: germline.
Comment: This variant results in a copy number gain of the genomic region encompassing the full coding sequence of the VCP gene. The boundaries of this event are unknown as they extend beyond the assayed region for this gene and therefore may encompass additional genes. As the precise location of this event is unknown, it may be in tandem or it may be located elsewhere in the genome. This variant has not been reported in the literature in individuals with VCP-related disease. In summary, the available evidence is currently insufficient to determine the role of this variant in disease. Therefore, it has been classified as a Variant of Uncertain Significance.

NC_000009.11:g.(?_34458994)_(35072710_?)dup

Genes: ARID3C (AT-rich interaction domain 3C; minus strand), CCL19 (C-C motif chemokine ligand 19; minus strand), CCL21 (C-C motif chemokine ligand 21; minus strand), CCL27 (C-C motif chemokine ligand 27; minus strand), CNTFR (ciliary neurotrophic factor receptor; minus strand) and 12 more. Cytogenetic location: 9p13.3.
Variant type: Duplication.
Identifiers: ClinVar variation 1042271 (VCV001042271.3).